The following is an entry in ClinVar:

NM_004168.4(SDHA):c.37G>A (p.Ala13Thr)

Gene: SDHA (succinate dehydrogenase complex flavoprotein subunit A; plus strand). Cytogenetic location: 5p15.33.
Variant type: single nucleotide variant.
Coding change: c.37G>A on transcript NM_004168.4 (MANE Select); coding-DNA position 37, G replaced by A.
Protein change: p.Ala13Thr; replaces alanine 13 with threonine.
Molecular consequence: missense variant.
Genome position (GRCh38, 1-based): chr5:218,392, G>A. VCF-style: chr5-218392-G-A. GRCh37 (hg19) VCF-style: chr5-218507-G-A.
Other names: c.37G>A, p.Ala13Thr (NM_001294332.2, NM_001330758.2); short protein forms A13T.
Identifiers: ClinVar variation 2951767 (VCV002951767.3), dbSNP rs2126522602, ClinGen allele CA359007356.

ClinVar aggregate classification (germline): Uncertain significance (1 of 4 stars; one submission).

Conditions:
Mitochondrial complex II deficiency, nuclear type 1. Also called: SUCCINATE CoQ REDUCTASE DEFICIENCY. Identifiers: Orphanet 3208, MedGen C5700310, MONDO:0100294, OMIM 252011.
Pheochromocytoma/paraganglioma syndrome 5. Also called: Paragangliomas 5; SDHA-Related Hereditary Paraganglioma-Pheochromocytoma Syndrome. Identifiers: Orphanet 29072, MedGen C3279992, MONDO:0013602, OMIM 614165.

Submission:

Labcorp Genetics (formerly Invitae), Labcorp
Classification: Uncertain significance for Pheochromocytoma/paraganglioma syndrome 5; Mitochondrial complex II deficiency, nuclear type 1. Last evaluated: 2023-09-09. Review status: criteria provided, single submitter. Criteria: Invitae Variant Classification Sherloc (09022015). Collection method: clinical testing. Allele origin: germline.
Comment: Advanced modeling of protein sequence and biophysical properties (such as structural, functional, and spatial information, amino acid conservation, physicochemical variation, residue mobility, and thermodynamic stability) performed at Invitae indicates that this missense variant is not expected to disrupt SDHA protein function. This variant has not been reported in the literature in individuals affected with SDHA-related conditions. In summary, the available evidence is currently insufficient to determine the role of this variant in disease. Therefore, it has been classified as a Variant of Uncertain Significance. This variant is not present in population databases (gnomAD no frequency). This sequence change replaces alanine, which is neutral and non-polar, with threonine, which is neutral and polar, at codon 13 of the SDHA protein (p.Ala13Thr).